The following is an entry in ClinVar:

NM_006876.3(B4GAT1):c.521G>T (p.Gly174Val)

Gene: B4GAT1 (beta-1,4-glucuronyltransferase 1; minus strand). Cytogenetic location: 11q13.2.
Variant type: single nucleotide variant.
Coding change: c.521G>T on transcript NM_006876.3 (MANE Select); coding-DNA position 521, G replaced by T.
Protein change: p.Gly174Val; replaces glycine 174 with valine.
Molecular consequence: missense variant.
Genome position (GRCh38, 1-based): chr11:66,347,025, C>A on the plus strand (G>T on the coding strand, the complement: B4GAT1 is on the minus strand). VCF-style: chr11-66347025-C-A. GRCh37 (hg19) VCF-style: chr11-66114496-C-A.
Other names: short protein forms G174V.
Identifiers: ClinVar variation 578254 (VCV000578254.7), dbSNP rs771427950, ClinGen allele CA6120542.

ClinVar aggregate classification (germline): Uncertain significance. Review status: criteria provided, multiple submitters, no conflicts (2 of 4 stars). 2 submissions from 2 submitters: Uncertain significance (2). Last evaluated 2025-04-08.

Conditions:
Muscular dystrophy-dystroglycanopathy (congenital with brain and eye anomalies), type A13. Also called: WALKER-WARBURG SYNDROME OR MUSCLE-EYE-BRAIN DISEASE, B3GNT1-RELATED; Muscular dystrophy-dystroglycanopathy (congenital with brain and eye anomalies), type a, 13. Identifiers: Orphanet 899, MedGen C3809042, MONDO:0014120, OMIM 615287.
Inborn genetic diseases. Identifiers: MedGen C0950123, MeSH D030342.

Allele frequency attached by ClinVar (database versions not stated): gnomAD exomes below 0.00001; TOPMed 0.00001; ExAC 0.00001; gnomAD 0.00001.

Submissions (2):

Ambry Genetics
Classification: Uncertain significance for Inborn genetic diseases. Last evaluated: 2025-04-08. Review status: criteria provided, single submitter. Criteria: Ambry Variant Classification Scheme 2023. Collection method: clinical testing. Allele origin: germline.

Labcorp Genetics (formerly Invitae), Labcorp
Classification: Uncertain significance for Muscular dystrophy-dystroglycanopathy (congenital with brain and eye anomalies), type A13. Last evaluated: 2022-07-29. Review status: criteria provided, single submitter. Criteria: Invitae Variant Classification Sherloc (09022015). Collection method: clinical testing. Allele origin: germline.
Comment: This sequence change replaces glycine, which is neutral and non-polar, with valine, which is neutral and non-polar, at codon 174 of the B4GAT1 protein (p.Gly174Val). This variant is present in population databases (rs771427950, gnomAD 0.001%). This variant has not been reported in the literature in individuals affected with B4GAT1-related conditions. ClinVar contains an entry for this variant (Variation ID: 578254). Algorithms developed to predict the effect of missense changes on protein structure and function (SIFT, PolyPhen-2, Align-GVGD) all suggest that this variant is likely to be tolerated. In summary, the available evidence is currently insufficient to determine the role of this variant in disease. Therefore, it has been classified as a Variant of Uncertain Significance.